The following is an entry in ClinVar:

ClinVar aggregate classification (germline): Uncertain significance. Review status: criteria provided, multiple submitters, no conflicts (2 of 4 stars). 2 submissions from 2 submitters: Uncertain significance (2). Last evaluated 2024-01-23.

Conditions:
Inborn genetic diseases. Identifiers: MedGen C0950123, MeSH D030342.

Allele frequency attached by ClinVar (database versions not stated): gnomAD exomes below 0.00001; TOPMed below 0.00001.
gnomAD v4.1: 3 of 1,613,436 alleles (0.00019%); highest among the groups gnomAD compares: East Asian, 0.0067%; no homozygotes.

Submissions (2):

Ambry Genetics
Classification: Uncertain significance for Inborn genetic diseases. Last evaluated: 2024-01-23. Review status: criteria provided, single submitter. Criteria: Ambry Variant Classification Scheme 2023. Collection method: clinical testing. Allele origin: germline.

Labcorp Genetics (formerly Invitae), Labcorp
Classification: Uncertain significance. Last evaluated: 2022-06-10. Review status: criteria provided, single submitter. Criteria: Invitae Variant Classification Sherloc (09022015). Collection method: clinical testing. Allele origin: germline.
Comment: In summary, the available evidence is currently insufficient to determine the role of this variant in disease. Therefore, it has been classified as a Variant of Uncertain Significance. Algorithms developed to predict the effect of missense changes on protein structure and function are either unavailable or do not agree on the potential impact of this missense change (SIFT: "Deleterious"; PolyPhen-2: "Benign"; Align-GVGD: "Class C0"). This variant has not been reported in the literature in individuals affected with RTTN-related conditions. This variant is present in population databases (no rsID available, gnomAD 0.01%). This sequence change replaces valine, which is neutral and non-polar, with phenylalanine, which is neutral and non-polar, at codon 906 of the RTTN protein (p.Val906Phe).

NM_173630.4(RTTN):c.2716G>T (p.Val906Phe)

Gene: RTTN (rotatin; minus strand). Cytogenetic location: 18q22.2.
Variant type: single nucleotide variant.
Coding change: c.2716G>T on transcript NM_173630.4 (MANE Select); coding-DNA position 2716, G replaced by T.
Protein change: p.Val906Phe; replaces valine 906 with phenylalanine.
Molecular consequence: missense variant. On other transcripts: 5 prime UTR variant (1).
Genome position (GRCh38, 1-based): chr18:70,139,671, C>A on the plus strand (G>T on the coding strand, the complement: RTTN is on the minus strand). VCF-style: chr18-70139671-C-A. GRCh37 (hg19) VCF-style: chr18-67806907-C-A.
Other names: c.2716G>T (NM_173630.3); c.-21G>T (NM_001318520.2); short protein forms V906F.
Identifiers: ClinVar variation 1932137 (VCV001932137.6), dbSNP rs1331568997, ClinGen allele CA402691208.